The following is an entry in ClinVar:

ClinVar aggregate classification (germline): Likely benign. Review status: criteria provided, multiple submitters, no conflicts (2 of 4 stars). 2 submissions from 2 submitters: Likely benign (2). Last evaluated 2025-02-05.

Conditions:
CC2D2A-related disorder. Also called: CC2D2A-related condition; CC2D2A-related disorders. Identifiers: MedGen CN239313.

gnomAD v4.1: 6 of 1,537,112 alleles (0.00039%); highest among the groups gnomAD compares: East Asian, 0.0049%; no homozygotes.

Submissions (2):

PreventionGenetics, part of Exact Sciences
Classification: Likely benign for CC2D2A-related condition. Last evaluated: 2025-02-05. Review status: criteria provided, single submitter. Criteria: ACMG Guidelines, 2015. Collection method: clinical testing. Allele origin: germline.
Comment: This variant is classified as likely benign based on ACMG/AMP sequence variant interpretation guidelines (Richards et al. 2015 PMID: 25741868, with internal and published modifications).

Blueprint Genetics
Classification: Likely benign. Last evaluated: 2024-07-02. Review status: criteria provided, single submitter. Criteria: ACMG Guidelines, 2015. Collection method: clinical testing. Allele origin: germline.

NM_001378615.1(CC2D2A):c.123+497T>C

Genes: CC2D2A (coiled-coil and C2 domain containing 2A; plus strand), FBXL5 (F-box and leucine rich repeat protein 5; minus strand). Cytogenetic location: 4p15.32.
Variant type: single nucleotide variant.
Coding change: c.123+497T>C on transcript NM_001378615.1 (MANE Select); 497 bases into the intron after coding-DNA position 123, T replaced by C.
Molecular consequence: intron variant. On other transcripts: 5 prime UTR variant (1), synonymous variant (1).
Genome position (GRCh38, 1-based): chr4:15,479,303, T>C. VCF-style: chr4-15479303-T-C. GRCh37 (hg19) VCF-style: chr4-15480927-T-C.
Other names: c.-50T>C (NM_001378617.1); c.204T>C, p.His68= (NM_020785.2); c.123+497T>C (NM_001080522.2, NM_001164720.3).
Identifiers: ClinVar variation 4966528 (VCV004966528.2).